The following is an entry in ClinVar:

ClinVar aggregate classification (germline): Likely benign. Review status: criteria provided, multiple submitters, no conflicts (2 of 4 stars). 3 submissions from 3 submitters: Likely benign (3). Last evaluated 2026-07-26.

Conditions:
Hereditary cancer-predisposing syndrome. Also called: Tumor predisposition; Hereditary Cancer Syndrome; Hereditary neoplastic syndrome; Neoplastic Syndromes, Hereditary. Identifiers: Orphanet 140162, MedGen C0027672, MeSH D009386, MONDO:0015356.
Neurofibromatosis, type 2 (SWNV). Also called: SCHWANNOMATOSIS, VESTIBULAR; BILATERAL ACOUSTIC NEUROFIBROMATOSIS; NF2-Related Schwannomatosis. Identifiers: Orphanet 637, MedGen C0027832, MONDO:0007039, OMIM 101000. Disease mechanism: loss of function.

Submissions (3):

Ambry Genetics
Classification: Likely benign for Hereditary cancer-predisposing syndrome. Last evaluated: 2026-07-26. Review status: criteria provided, single submitter. Criteria: Ambry Variant Classification Scheme 2023. Collection method: clinical testing. Allele origin: germline.

All of Us Research Program, National Institutes of Health
Classification: Likely benign for Neurofibromatosis, type 2. Last evaluated: 2024-07-29. Review status: criteria provided, single submitter. Criteria: ACMG Guidelines, 2015. Collection method: clinical testing. Allele origin: germline. Inheritance: Autosomal dominant inheritance. Observed: 1 variant allele, 1 heterozygote.
Comment: This study involves interpretation of variants in research participants for the purpose of population health screening. Participant phenotype was not available at the time of variant classification. Additional details can be found in publication PMID: 35346344, PMCID: PMC8962531

Labcorp Genetics (formerly Invitae), Labcorp
Classification: Likely benign for Neurofibromatosis, type 2. Last evaluated: 2022-02-20. Review status: criteria provided, single submitter. Criteria: Invitae Variant Classification Sherloc (09022015). Collection method: clinical testing. Allele origin: germline.

NM_000268.4(NF2):c.291G>A (p.Leu97=)

Gene: NF2 (NF2, moesin-ezrin-radixin like (MERLIN) tumor suppressor; plus strand). Cytogenetic location: 22q12.2.
Variant type: single nucleotide variant.
Coding change: c.291G>A on transcript NM_000268.4 (MANE Select); coding-DNA position 291, G replaced by A.
Protein change: p.Leu97=; no amino-acid change (leucine 97 retained).
Molecular consequence: synonymous variant. On other transcripts: 5 prime UTR variant (1), intron variant (8).
Genome position (GRCh38, 1-based): chr22:29,639,140, G>A. VCF-style: chr22-29639140-G-A. GRCh37 (hg19) VCF-style: chr22-30035129-G-A.
Other names: c.177G>A, p.Leu59= (NM_001407053.1, NM_001407056.1); c.165G>A, p.Leu55= (NM_001407055.1, NM_181828.3); c.291G>A, p.Leu97= (NM_001407057.1, NM_001407059.1, NM_001407060.1 and 5 more transcripts); c.-350G>A (NM_001407065.1); c.60G>A, p.Leu20= (NM_001407067.1); c.240+2264G>A (NM_001407058.1, NM_181829.3, NM_001407054.1 and 1 more transcripts); c.115-3062G>A (NM_001407063.1, NM_181830.3, NM_001407064.1 and 1 more transcripts).
Identifiers: ClinVar variation 2148624 (VCV002148624.6), dbSNP rs2146871037, ClinGen allele CA514191636.